The following is an entry in ClinVar:

NM_001204.7(BMPR2):c.913G>C (p.Ala305Pro)

Gene: BMPR2 (bone morphogenetic protein receptor type 2; plus strand). Cytogenetic location: 2q33.2.
Variant type: single nucleotide variant.
Coding change: c.913G>C on transcript NM_001204.7 (MANE Select); coding-DNA position 913, G replaced by C.
Protein change: p.Ala305Pro; replaces alanine 305 with proline.
Molecular consequence: missense variant.
Genome position (GRCh38, 1-based): chr2:202,520,147, G>C. VCF-style: chr2-202520147-G-C. GRCh37 (hg19) VCF-style: chr2-203384870-G-C.
Other names: short protein forms A305P.
Identifiers: ClinVar variation 3992240 (VCV003992240.1).

ClinVar aggregate classification (germline): Uncertain significance (1 of 4 stars; one submission).

Conditions:
Inborn genetic diseases. Identifiers: MedGen C0950123, MeSH D030342.

Submission:

Ambry Genetics
Classification: Uncertain significance for Inborn genetic diseases. Last evaluated: 2025-05-13. Review status: criteria provided, single submitter. Criteria: Ambry Variant Classification Scheme 2023. Collection method: clinical testing. Allele origin: germline.
Comment: The c.913G>C (p.A305P) alteration is located in exon 7 (coding exon 7) of the BMPR2 gene. This alteration results from a G to C substitution at nucleotide position 913, causing the alanine (A) at amino acid position 305 to be replaced by a proline (P). This variant was not reported in population-based cohorts in the Genome Aggregation Database (gnomAD). This amino acid position is highly conserved in available vertebrate species. This alteration is predicted to be deleterious by in silico analysis. Based on insufficient or conflicting evidence, the clinical significance of this alteration remains unclear.